The following is an entry in ClinVar:

ClinVar aggregate classification (germline): Uncertain significance (1 of 4 stars; one submission).

Conditions:
Cortical dysplasia-focal epilepsy syndrome (PTHSL1). Also called: Pitt-Hopkins-like syndrome 1. Identifiers: Orphanet 163681, Orphanet 221150, MedGen C2750246, MONDO:0012400, OMIM 610042.

Submission:

Labcorp Genetics (formerly Invitae), Labcorp
Classification: Uncertain significance for Cortical dysplasia-focal epilepsy syndrome. Last evaluated: 2021-08-30. Review status: criteria provided, single submitter. Criteria: Invitae Variant Classification Sherloc (09022015). Collection method: clinical testing. Allele origin: germline.
Comment: This sequence change replaces valine with alanine at codon 490 of the CNTNAP2 protein (p.Val490Ala). The valine residue is moderately conserved and there is a small physicochemical difference between valine and alanine. This variant is not present in population databases (ExAC no frequency). This variant has not been reported in the literature in individuals affected with CNTNAP2-related conditions. Algorithms developed to predict the effect of missense changes on protein structure and function are either unavailable or do not agree on the potential impact of this missense change (SIFT: "Deleterious"; PolyPhen-2: "Benign"; Align-GVGD: "Class C0"). In summary, the available evidence is currently insufficient to determine the role of this variant in disease. Therefore, it has been classified as a Variant of Uncertain Significance.

NM_014141.6(CNTNAP2):c.1469T>C (p.Val490Ala)

Gene: CNTNAP2 (contactin associated protein 2; plus strand). Cytogenetic location: 7q35.
Variant type: single nucleotide variant.
Coding change: c.1469T>C on transcript NM_014141.6 (MANE Select); coding-DNA position 1469, T replaced by C.
Protein change: p.Val490Ala; replaces valine 490 with alanine.
Molecular consequence: missense variant.
Genome position (GRCh38, 1-based): chr7:147,300,261, T>C. VCF-style: chr7-147300261-T-C. GRCh37 (hg19) VCF-style: chr7-146997353-T-C.
Other names: short protein forms V490A.
Identifiers: ClinVar variation 1001375 (VCV001001375.6), dbSNP rs979608770, ClinGen allele CA168711489.
Genomic context (GRCh38, chr7:147,300,261, plus strand): 5'-CTATTCTCACCATCGATGGAGATGAAGCATCAGCAGTTCGAACTAATAGTCCCCTTCAAG[T>C]TAAAACTGGCGAGAAGTACTTTTTTGGAGGTAAGAATGCCATTCCTTTTTGGTTACTAAT-3'
Protein context (NP_054860.1, residues 480-500): SAVRTNSPLQ[Val490Ala]KTGEKYFFGG